The following is an entry in ClinVar:

NM_183050.4(BCKDHB):c.63delinsCTGTCTCTTATA (p.His22fs)

Gene: BCKDHB (branched chain keto acid dehydrogenase E1 subunit beta; plus strand). Cytogenetic location: 6q14.1.
Variant type: Indel.
Coding change: c.63delinsCTGTCTCTTATA on transcript NM_183050.4 (MANE Select); coding-DNA position 63, G replaced by CTGTCTCTTATA.
Protein change: p.His22fs; shifts the reading frame from histidine 22.
Molecular consequence: frameshift variant. On other transcripts: 5 prime UTR variant (1), non-coding transcript variant (6), intron variant (1).
Genome position (GRCh38, 1-based): chr6:80,106,756, G replaced by CTGTCTCTTATA. VCF-style: chr6-80106756-G-CTGTCTCTTATA. GRCh37 (hg19) VCF-style: chr6-80816473-G-CTGTCTCTTATA.
Other names: c.63delinsCTGTCTCTTATA, p.His22fs (NM_000056.5, NM_001424035.1, NM_001424036.1 and 8 more transcripts); c.-102delinsCTGTCTCTTATA (NM_001424043.1); c.-15+73delinsCTGTCTCTTATA (NM_001318975.1); short protein forms H22fs.
Identifiers: ClinVar variation 5011404 (VCV005011404.1).

ClinVar aggregate classification (germline): Pathogenic (1 of 4 stars; one submission).

Conditions:
Maple syrup urine disease type 1B (MSUD1B). Also called: MSUD type IB; MSUD type 3 (formerly); MSUD due to deficiency of e1-beta subunit of branched-chain alpha-keto acid dehydrogenase complex. Identifiers: MedGen C2930990, MONDO:0023692, OMIM 620698.

Submission:

Myriad Genetics, Inc.
Classification: Pathogenic for Maple syrup urine disease type 1B. Last evaluated: 2023-08-20. Review status: criteria provided, single submitter. Criteria: Myriad Autosomal Dominant, Autosomal Recessive and X-Linked Classification Criteria (2023). Collection method: clinical testing. Allele origin: unknown.
Comment: NM_183050.2(BCKDHB):c.63del1ins12(H22Cfs*54) is expected to be pathogenic in the context of maple syrup urine disease type Ib. This variant is predicted to lead to an abnormal or absent protein product due to the creation of a premature termination codon in BCKDHB, a gene where loss-of-function variants are known to be pathogenic. Please note: this variant was assessed in the context of healthy population screening.